The following is an entry in ClinVar:

NM_001384950.1(NLRC5):c.2075+154T>C

Gene: NLRC5 (NLR family CARD domain containing 5; plus strand). Cytogenetic location: 16q13.
Variant type: single nucleotide variant.
Coding change: c.2075+154T>C on transcript NM_001384950.1 (MANE Select); 154 bases into the intron after coding-DNA position 2075, T replaced by C.
Molecular consequence: intron variant.
Genome position (GRCh38, 1-based): chr16:57,027,172, T>C. VCF-style: chr16-57027172-T-C. GRCh37 (hg19) VCF-style: chr16-57061084-T-C.
Other names: c.2075+154T>C (NM_001384955.1, NM_001384958.1, NM_001384952.1 and 21 more transcripts); c.1904+154T>C (NM_001384972.1).
Identifiers: ClinVar variation 103158 (VCV000103158.2), dbSNP rs199475977, ClinGen allele CA230202.

ClinVar aggregate classification (germline): not provided (0 of 4 stars; one submission).

Allele frequency attached by ClinVar (database versions not stated): gnomAD 0.00033; TOPMed 0.00042; 1000 Genomes Project 0.00100; 1000 Genomes Project 30x 0.00125.
gnomAD v4.1: 50 of 152,328 alleles (0.033%); highest among the groups gnomAD compares: African/African-American, 0.11%; no homozygotes.

Submission:

Human Evolutionary Genetics, Institut Pasteur
No classification provided. Review status: no classification provided. Collection method: not provided. Allele origin: germline.
ClinVar note: Converted during submission from untested to not provided.